The following is an entry in ClinVar:

NM_000168.6(GLI3):c.3373G>C (p.Gly1125Arg)

Gene: GLI3 (GLI family zinc finger 3; minus strand). Cytogenetic location: 7p14.1.
Variant type: single nucleotide variant.
Coding change: c.3373G>C on transcript NM_000168.6 (MANE Select); coding-DNA position 3373, G replaced by C.
Protein change: p.Gly1125Arg; replaces glycine 1125 with arginine.
Molecular consequence: missense variant.
Genome position (GRCh38, 1-based): chr7:41,965,700, C>G on the plus strand (G>C on the coding strand, the complement: GLI3 is on the minus strand). VCF-style: chr7-41965700-C-G. GRCh37 (hg19) VCF-style: chr7-42005298-C-G.
Other names: short protein forms G1125R.
Identifiers: ClinVar variation 1370945 (VCV001370945.6), dbSNP rs772233504, ClinGen allele CA4230379.
Genomic context (GRCh38, chr7:41,965,700, plus strand): 5'-CATGGAACTGCTGGCCAGCGTGGCTGTCTGGCAGCCCGGGCGCGTCAAAGTCACCGGGCC[C>G]GTGGGGCACTTTGCTGTCGTCCGGGAGGGCGCTGGGGAAGTGCTGCTCGTACCCTGCTTG-3'
Protein context (NP_000159.3, residues 1115-1135): ALPDDSKVPH[Gly1125Arg]PGDFDAPGLP

ClinVar aggregate classification (germline): Uncertain significance (1 of 4 stars; one submission).

Conditions:
Greig cephalopolysyndactyly syndrome (GCPS). Also called: GLI3-Related Greig Cephalopolysyndactyly Syndrome; POLYSYNDACTYLY WITH PECULIAR SKULL SHAPE; Greig syndrome. Identifiers: Orphanet 380, MedGen C0265306, MONDO:0008287, OMIM 175700.
Pallister-Hall syndrome (PHS). Also called: HYPOTHALAMIC HAMARTOBLASTOMA, HYPOPITUITARISM, IMPERFORATE ANUS, AND POSTAXIAL POLYDACTYLY; GLI3-Related Pallister-Hall Syndrome. Identifiers: Orphanet 672, MedGen C0265220, MONDO:0007804, OMIM 146510.

Allele frequency attached by ClinVar (database versions not stated): ExAC 0.00001.

Submission:

Labcorp Genetics (formerly Invitae), Labcorp
Classification: Uncertain significance for Pallister-Hall syndrome; Greig cephalopolysyndactyly syndrome. Last evaluated: 2024-01-24. Review status: criteria provided, single submitter. Criteria: Invitae Variant Classification Sherloc (09022015). Collection method: clinical testing. Allele origin: germline.
Comment: This sequence change replaces glycine, which is neutral and non-polar, with arginine, which is basic and polar, at codon 1125 of the GLI3 protein (p.Gly1125Arg). This variant is present in population databases (rs772233504, gnomAD 0.003%). This variant has not been reported in the literature in individuals affected with GLI3-related conditions. ClinVar contains an entry for this variant (Variation ID: 1370945). An algorithm developed to predict the effect of missense changes on protein structure and function (PolyPhen-2) suggests that this variant is likely to be tolerated. In summary, the available evidence is currently insufficient to determine the role of this variant in disease. Therefore, it has been classified as a Variant of Uncertain Significance.